The following is an entry in ClinVar:

ClinVar aggregate classification (germline): Uncertain significance (1 of 4 stars; one submission).

Conditions:
Bethlem myopathy 1A. Also called: MYOPATHY, BENIGN CONGENITAL, WITH CONTRACTURES; Bethlem myopathy 1; Bethlem Muscular Dystrophy. Identifiers: Orphanet 610, MedGen CN029274, MONDO:0024530, OMIM 158810.

gnomAD v4.1: 10 of 1,612,388 alleles (0.00062%); highest among the groups gnomAD compares: Non-Finnish European, 0.00068%; no homozygotes.

Submission:

Labcorp Genetics (formerly Invitae), Labcorp
Classification: Uncertain significance for Bethlem myopathy 1. Last evaluated: 2019-07-03. Review status: criteria provided, single submitter. Criteria: Invitae Variant Classification Sherloc (09022015). Collection method: clinical testing. Allele origin: germline.
Comment: This sequence change replaces arginine with leucine at codon 677 of the COL6A1 protein (p.Arg677Leu). The arginine residue is weakly conserved and there is a moderate physicochemical difference between arginine and leucine. This variant is present in population databases (rs373731596, ExAC 0.008%). This variant has not been reported in the literature in individuals with COL6A1-related conditions. Algorithms developed to predict the effect of missense changes on protein structure and function are either unavailable or do not agree on the potential impact of this missense change (SIFT: "Tolerated"; PolyPhen-2: "Possibly Damaging"; Align-GVGD: "Class C0"). In summary, the available evidence is currently insufficient to determine the role of this variant in disease. Therefore, it has been classified as a Variant of Uncertain Significance.

NM_001848.3(COL6A1):c.2030G>T (p.Arg677Leu)

Gene: COL6A1 (collagen type VI alpha 1 chain; plus strand). Cytogenetic location: 21q22.3.
Variant type: single nucleotide variant.
Coding change: c.2030G>T on transcript NM_001848.3 (MANE Select); coding-DNA position 2030, G replaced by T.
Protein change: p.Arg677Leu; replaces arginine 677 with leucine.
Molecular consequence: missense variant.
Genome position (GRCh38, 1-based): chr21:46,002,034, G>T. VCF-style: chr21-46002034-G-T. GRCh37 (hg19) VCF-style: chr21-47421948-G-T.
Other names: short protein forms R677L.
Identifiers: ClinVar variation 864025 (VCV000864025.1), dbSNP rs373731596, ClinGen allele CA10070724.
Genomic context (GRCh38, chr21:46,002,034, plus strand): 5'-AGTCGTACGCGGGTGTGGTGCAGTACAGCCACAGCCAGATGCAGGAGCACGTGAGCCTGC[G>T]CAGCCCCAGCATCCGGAACGTGCAGGAGCTCAAGGAGTGAGTGCCCCACGCGGCCAGGAC-3'
Protein context (NP_001839.2, residues 667-687): HSQMQEHVSL[Arg677Leu]SPSIRNVQEL